The following is an entry in ClinVar:

ClinVar aggregate classification (germline): Benign. Review status: criteria provided, multiple submitters, no conflicts (2 of 4 stars). 2 submissions from 2 submitters: Benign (2). Last evaluated 2024-01-24.

Submissions (2):

Unidad de Genómica Garrahan, Hospital de Pediatría Garrahan
Classification: Benign. Last evaluated: 2024-01-24. Review status: criteria provided, single submitter. Criteria: ACMG Guidelines, 2015. Collection method: clinical testing. Allele origin: germline. Affected: no. Observed: 75 variant alleles.
Comment: This variant is classified as Benign based on local population frequency. This variant was detected in 85% of patients studied by a panel of primary immunodeficiencies. Number of patients: 75. Only high quality variants are reported.

GeneDx
Classification: Benign. Last evaluated: 2021-06-19. Review status: criteria provided, single submitter. Criteria: GeneDx Variant Classification Process June 2021. Collection method: clinical testing. Allele origin: germline. Affected: yes.

NM_001375834.1(WIPF1):c.358+238dup

Gene: WIPF1 (WAS/WASL interacting protein family member 1; minus strand). Cytogenetic location: 2q31.1.
Variant type: Duplication.
Coding change: c.358+238dup on transcript NM_001375834.1 (MANE Select); 238 bases into the intron after coding-DNA position 358, one base duplicated (T; older notation c.358+238dupT).
Molecular consequence: intron variant.
Genome position (GRCh38, 1-based): chr2:174,574,954, A duplicated on the plus strand (T on the coding strand, the reverse complement: WIPF1 is on the minus strand); the first of 13 consecutive A bases (chr2:174,574,954-174,574,966); duplicating any one gives the same sequence. VCF-style (leftmost placement, unchanged base first): chr2-174574953-T-TA. GRCh37 (hg19) VCF-style: chr2-175439681-T-TA.
Other names: c.358+238dup (NM_001375835.1, NM_001077269.1, NM_003387.5 and 5 more transcripts); c.182-2721dup (NM_001375839.1).
Identifiers: ClinVar variation 1233423 (VCV001233423.5), dbSNP rs3049897, ClinGen allele CA1974147.